The following is an entry in ClinVar:

NM_194248.3(OTOF):c.1747C>G (p.Pro583Ala)

Gene: OTOF (otoferlin; minus strand). Cytogenetic location: 2p23.3.
Variant type: single nucleotide variant.
Coding change: c.1747C>G on transcript NM_194248.3 (MANE Select); coding-DNA position 1747, C replaced by G.
Protein change: p.Pro583Ala; replaces proline 583 with alanine.
Molecular consequence: missense variant.
Genome position (GRCh38, 1-based): chr2:26,480,842, G>C on the plus strand (C>G on the coding strand, the complement: OTOF is on the minus strand). VCF-style: chr2-26480842-G-C. GRCh37 (hg19) VCF-style: chr2-26703710-G-C.
Other names: c.1747C>G, p.Pro583Ala (NM_001287489.2); short protein forms P583A.
Identifiers: ClinVar variation 2504870 (VCV002504870.2), dbSNP rs756894987, ClinGen allele CA1564188.

ClinVar aggregate classification (germline): Uncertain significance (1 of 4 stars; one submission).

Allele frequency attached by ClinVar (database versions not stated): ExAC 0.00001; TOPMed 0.00006.
gnomAD v4.1: 299 of 1,612,754 alleles (0.019%); highest among the groups gnomAD compares: Non-Finnish European, 0.024%; no homozygotes.

Submission:

GeneDx
Classification: Uncertain significance. Last evaluated: 2025-03-11. Review status: criteria provided, single submitter. Criteria: GeneDx Variant Classification Process June 2021. Collection method: clinical testing. Allele origin: germline.
Comment: Identified in a patient with nonsyndromic hearing loss in published literature (PMID: 35440622); In silico analysis supports that this missense variant does not alter protein structure/function; This variant is associated with the following publications: (PMID: 35440622)